The following is an entry in ClinVar:

ClinVar aggregate classification (germline): Pathogenic (1 of 4 stars; one submission).

Conditions:
Cerebral cavernous malformation (CCM). Also called: CAVERNOUS ANGIOMA, FAMILIAL; CAVERNOUS ANGIOMATOUS MALFORMATIONS; CEREBRAL CAPILLARY MALFORMATIONS; Cerebral cavernous hemangioma (type); Cerebral cavernous malformations; Cavernous Hemangioma of Brain. Identifiers: Orphanet 221061, MedGen C2919945, MONDO:0000820, OMIM 116860, HP:0033522.

Submission:

Labcorp Genetics (formerly Invitae), Labcorp
Classification: Pathogenic for Cerebral cavernous malformation. Last evaluated: 2022-09-27. Review status: criteria provided, single submitter. Criteria: Invitae Variant Classification Sherloc (09022015). Collection method: clinical testing. Allele origin: germline.
Comment: This sequence change creates a premature translational stop signal (p.Lys417*) in the KRIT1 gene. It is expected to result in an absent or disrupted protein product. Loss-of-function variants in KRIT1 are known to be pathogenic (PMID: 10508515, 11222804, 12404106, 24689081). This variant is not present in population databases (gnomAD no frequency). This variant has not been reported in the literature in individuals affected with KRIT1-related conditions. For these reasons, this variant has been classified as Pathogenic.

Literature cited by the submitters: PubMed 10508515; PubMed 11222804; PubMed 12404106; PubMed 24689081.

NM_194454.3(KRIT1):c.1249A>T (p.Lys417Ter)

Gene: KRIT1 (KRIT1 ankyrin repeat containing; minus strand). Cytogenetic location: 7q21.2.
Variant type: single nucleotide variant.
Coding change: c.1249A>T on transcript NM_194454.3 (MANE Select); coding-DNA position 1249, A replaced by T.
Protein change: p.Lys417Ter; replaces lysine 417 with a stop codon.
Molecular consequence: nonsense.
Genome position (GRCh38, 1-based): chr7:92,225,725, T>A on the plus strand (A>T on the coding strand, the complement: KRIT1 is on the minus strand). VCF-style: chr7-92225725-T-A. GRCh37 (hg19) VCF-style: chr7-91855039-T-A.
Other names: c.1105A>T, p.Lys369Ter (NM_001013406.2, NM_001350669.1, NM_001350670.1); c.535A>T, p.Lys179Ter (NM_001350671.1); c.1249A>T, p.Lys417Ter (NM_001350672.1, NM_001350673.1, NM_001350674.1 and 26 more transcripts); short protein forms K369*, K179*, K417*.
Identifiers: ClinVar variation 2032961 (VCV002032961.4), dbSNP rs2535871507, ClinGen allele CA368150320.